The following is an entry in ClinVar:

NM_006662.3(SRCAP):c.9100G>A (p.Glu3034Lys)

Gene: SRCAP (Snf2 related CREBBP activator protein; plus strand). Cytogenetic location: 16p11.2.
Variant type: single nucleotide variant.
Coding change: c.9100G>A on transcript NM_006662.3 (MANE Select); coding-DNA position 9100, G replaced by A.
Protein change: p.Glu3034Lys; replaces glutamic acid 3034 with lysine.
Molecular consequence: missense variant.
Genome position (GRCh38, 1-based): chr16:30,739,140, G>A. VCF-style: chr16-30739140-G-A. GRCh37 (hg19) VCF-style: chr16-30750461-G-A.
Other names: c.9100G>A (NM_006662.2); short protein forms E3034K.
Identifiers: ClinVar variation 1918368 (VCV001918368.5), dbSNP rs749154028, ClinGen allele CA8012830.

ClinVar aggregate classification (germline): Uncertain significance. Review status: criteria provided, multiple submitters, no conflicts (2 of 4 stars). 2 submissions from 2 submitters: Uncertain significance (2). Last evaluated 2025-10-29.

Conditions:
Inborn genetic diseases. Identifiers: MedGen C0950123, MeSH D030342.

Allele frequency attached by ClinVar (database versions not stated): ExAC 0.00002.
gnomAD v4.1: 17 of 1,614,142 alleles (0.0011%); highest among the groups gnomAD compares: Admixed American, 0.0033%; 1 homozygote.

Submissions (2):

Ambry Genetics
Classification: Uncertain significance for Inborn genetic diseases. Last evaluated: 2025-10-29. Review status: criteria provided, single submitter. Criteria: Ambry Variant Classification Scheme 2023. Collection method: clinical testing. Allele origin: germline.

Labcorp Genetics (formerly Invitae), Labcorp
Classification: Uncertain significance. Last evaluated: 2025-01-19. Review status: criteria provided, single submitter. Criteria: Invitae Variant Classification Sherloc (09022015). Collection method: clinical testing. Allele origin: germline.
Comment: This sequence change replaces glutamic acid, which is acidic and polar, with lysine, which is basic and polar, at codon 3034 of the SRCAP protein (p.Glu3034Lys). This variant is present in population databases (rs749154028, gnomAD 0.0009%). This variant has not been reported in the literature in individuals affected with SRCAP-related conditions. ClinVar contains an entry for this variant (Variation ID: 1918368). Invitae Evidence Modeling of protein sequence and biophysical properties (such as structural, functional, and spatial information, amino acid conservation, physicochemical variation, residue mobility, and thermodynamic stability) indicates that this missense variant is not expected to disrupt SRCAP protein function with a negative predictive value of 80%. In summary, the available evidence is currently insufficient to determine the role of this variant in disease. Therefore, it has been classified as a Variant of Uncertain Significance.